The following is an entry in ClinVar:

NM_144999.4(LRRC45):c.551T>C (p.Val184Ala)

Gene: LRRC45 (leucine rich repeat containing 45; plus strand). Cytogenetic location: 17q25.3.
Variant type: single nucleotide variant.
Coding change: c.551T>C on transcript NM_144999.4 (MANE Select); coding-DNA position 551, T replaced by C.
Protein change: p.Val184Ala; replaces valine 184 with alanine.
Molecular consequence: missense variant.
Genome position (GRCh38, 1-based): chr17:82,025,397, T>C. VCF-style: chr17-82025397-T-C. GRCh37 (hg19) VCF-style: chr17-79983273-T-C.
Other names: short protein forms V184A.
Identifiers: ClinVar variation 4984593 (VCV004984593.1).

ClinVar aggregate classification (germline): Uncertain significance (1 of 4 stars; one submission).

Conditions:
LRRC45-related disorder. Also called: LRRC45-related condition.

gnomAD v4.1: 13 of 1,592,612 alleles (0.00082%); highest among the groups gnomAD compares: African/African-American, 0.0081%; no homozygotes.

Submission:

PreventionGenetics, part of Exact Sciences
Classification: Uncertain significance for LRRC45-related condition. Last evaluated: 2025-07-30. Review status: criteria provided, single submitter. Criteria: ACMG Guidelines, 2015. Collection method: clinical testing. Allele origin: germline.
Comment: The LRRC45 c.551T>C variant is predicted to result in the amino acid substitution p.Val184Ala. To our knowledge, this variant has not been reported in the literature or in a large population database (gnomAD), indicating this variant is rare. At this time, the clinical significance of this variant is uncertain due to the absence of conclusive functional and genetic evidence.